The following is an entry in ClinVar:

NM_002439.5(MSH3):c.2739del (p.Ile914fs)

Gene: MSH3 (mutS homolog 3; plus strand). Cytogenetic location: 5q14.1.
Variant type: Deletion.
Coding change: c.2739del on transcript NM_002439.5 (MANE Select); coding-DNA position 2739, one base deleted (C; older notation c.2739delC).
Protein change: p.Ile914fs; shifts the reading frame from isoleucine 914.
Molecular consequence: frameshift variant.
Genome position (GRCh38, 1-based): chr5:80,813,667, C deleted; the last of 2 consecutive C bases (chr5:80,813,666-80,813,667); deleting either gives the same sequence. VCF-style (leftmost placement, unchanged base first): chr5-80813665-AC-A. GRCh37 (hg19) VCF-style: chr5-80109484-AC-A.
Other names: short protein forms I914fs.
Identifiers: ClinVar variation 1076536 (VCV001076536.7), dbSNP rs2112054380, ClinGen allele CA2499217963.

ClinVar aggregate classification (germline): Pathogenic. Review status: criteria provided, multiple submitters, no conflicts (2 of 4 stars). 2 submissions from 2 submitters: Pathogenic (2). Last evaluated 2023-08-31.

Conditions:
Familial adenomatous polyposis 4 (FAP4). Also called: MSH3-related attenuated familial adenomatous polyposis. Identifiers: Orphanet 480536, MedGen C4310719, MONDO:0044300, OMIM 617100.

Submissions (2):

Myriad Genetics, Inc.
Classification: Pathogenic for Familial adenomatous polyposis 4. Last evaluated: 2023-08-31. Review status: criteria provided, single submitter. Criteria: Myriad Autosomal Dominant, Autosomal Recessive and X-Linked Classification Criteria (2023). Collection method: clinical testing. Allele origin: unknown.
Comment: This variant is considered pathogenic. This variant creates a frameshift predicted to result in premature protein truncation.

Labcorp Genetics (formerly Invitae), Labcorp
Classification: Pathogenic. Last evaluated: 2023-07-07. Review status: criteria provided, single submitter. Criteria: Invitae Variant Classification Sherloc (09022015). Collection method: clinical testing. Allele origin: germline.
Comment: ClinVar contains an entry for this variant (Variation ID: 1076536). This sequence change creates a premature translational stop signal (p.Ile914Serfs*43) in the MSH3 gene. It is expected to result in an absent or disrupted protein product. Loss-of-function variants in MSH3 are known to be pathogenic (PMID: 27476653). This variant is not present in population databases (gnomAD no frequency). This variant has not been reported in the literature in individuals affected with MSH3-related conditions. For these reasons, this variant has been classified as Pathogenic.

Literature cited by the submitters: PubMed 27476653 (cited by Labcorp Genetics (formerly Invitae), Labcorp).